The following is an entry in ClinVar:

NM_007294.4(BRCA1):c.1897C>A (p.Pro633Thr)

Gene: BRCA1 (BRCA1 DNA repair associated; minus strand). Cytogenetic location: 17q21.31.
Variant type: single nucleotide variant.
Coding change: c.1897C>A on transcript NM_007294.4 (MANE Select); coding-DNA position 1897, C replaced by A.
Protein change: p.Pro633Thr; replaces proline 633 with threonine.
Molecular consequence: missense variant. On other transcripts: intron variant (137).
Genome position (GRCh38, 1-based): chr17:43,093,634, G>T on the plus strand (C>A on the coding strand, the complement: BRCA1 is on the minus strand). VCF-style: chr17-43093634-G-T. GRCh37 (hg19) VCF-style: chr17-41245651-G-T.
Other names: c.1753C>A, p.Pro585Thr (NM_001407746.1, NM_001407747.1, NM_001407748.1 and 20 more transcripts); c.1756C>A, p.Pro586Thr (NM_001407750.1, NM_001407751.1, NM_001407752.1 and 29 more transcripts); c.1684C>A, p.Pro562Thr (NM_001407853.1, NM_001407894.1, NM_001407895.1 and 9 more transcripts); c.1897C>A, p.Pro633Thr (NM_001407854.1, NM_001407858.1, NM_001407859.1 and 30 more transcripts); c.1894C>A, p.Pro632Thr (NM_001407860.1, NM_001407861.1, NM_001407587.1 and 22 more transcripts); c.1696C>A, p.Pro566Thr (NM_001407862.1); c.1774C>A, p.Pro592Thr (NM_001407863.1, NM_001407919.1, NM_001407937.1 and 19 more transcripts); c.1693C>A, p.Pro565Thr (NM_001407874.1, NM_001407875.1); and 40 more; short protein forms P633T, P586T, P566T, P585T, P630T, P337T, P565T, P591T.
Identifiers: ClinVar variation 54386 (VCV000054386.5), dbSNP rs80356902, ClinGen allele CA001236.

ClinVar aggregate classification (germline): Likely benign. Review status: criteria provided, single submitter (1 of 4 stars). 2 submissions from 2 submitters: Likely benign (1). 1 of the submissions does not count toward it. Last evaluated 2023-03-23.

Conditions:
Hereditary cancer-predisposing syndrome. Also called: Tumor predisposition; Neoplastic Syndromes, Hereditary; Hereditary Cancer Syndrome; Hereditary neoplastic syndrome. Identifiers: Orphanet 140162, MedGen C0027672, MeSH D009386, MONDO:0015356.
Breast-ovarian cancer, familial, susceptibility to, 1 (BROVCA1). Also called: OVARIAN CANCER, SUSCEPTIBILITY TO; BRCA1 Hereditary Breast and Ovarian Cancer. Identifiers: Orphanet 145, MedGen C2676676, MONDO:0011450, OMIM 604370. Disease mechanism: loss of function.

Submissions (2):

University of Washington Department of Laboratory Medicine, University of Washington
Classification: Likely benign for Hereditary cancer-predisposing syndrome. Last evaluated: 2023-03-23. Review status: criteria provided, single submitter. Criteria: Dines et al. (Genet Med. 2020). Collection method: curation. Allele origin: germline.
Comment: Missense variant in a coldspot region where missense variants are very unlikely to be pathogenic (PMID:31911673).

BRCA1 coldspot (exon 11 using historical exon numbering). Reclassification based on statistical prior probability

Breast Cancer Information Core (BIC) (BRCA1)
Classification: Uncertain significance for Breast-ovarian cancer, familial 1. Last evaluated: 2004-02-20. Review status: no assertion criteria provided. Collection method: clinical testing. Allele origin: germline. Affected: yes. Observed: 1 variant allele. Not counted in ClinVar's aggregate classification.